The following is an entry in ClinVar:

NM_000553.6(WRN):c.708G>T (p.Arg236Ser)

Gene: WRN (WRN RecQ like helicase; plus strand). Cytogenetic location: 8p12.
Variant type: single nucleotide variant.
Coding change: c.708G>T on transcript NM_000553.6 (MANE Select); coding-DNA position 708, G replaced by T.
Protein change: p.Arg236Ser; replaces arginine 236 with serine.
Molecular consequence: missense variant.
Genome position (GRCh38, 1-based): chr8:31,068,311, G>T. VCF-style: chr8-31068311-G-T. GRCh37 (hg19) VCF-style: chr8-30925827-G-T.
Other names: short protein forms R236S.
Identifiers: ClinVar variation 2875284 (VCV002875284.3), dbSNP rs2535889492, ClinGen allele CA370917137.

ClinVar aggregate classification (germline): Uncertain significance (1 of 4 stars; one submission).

Conditions:
Werner syndrome (WRN). Identifiers: Orphanet 902, MedGen C0043119, MONDO:0010196, OMIM 277700.

gnomAD v4.1: 1 of 1,607,764 alleles (0.000062%); highest among the groups gnomAD compares: Non-Finnish European, 0.000085%; no homozygotes.

Submission:

Labcorp Genetics (formerly Invitae), Labcorp
Classification: Uncertain significance for Werner syndrome. Last evaluated: 2023-08-17. Review status: criteria provided, single submitter. Criteria: Invitae Variant Classification Sherloc (09022015). Collection method: clinical testing. Allele origin: germline.
Comment: In summary, the available evidence is currently insufficient to determine the role of this variant in disease. Therefore, it has been classified as a Variant of Uncertain Significance. An algorithm developed to predict the effect of missense changes on protein structure and function (PolyPhen-2) suggests that this variant is likely to be tolerated. This variant has not been reported in the literature in individuals affected with WRN-related conditions. This variant is not present in population databases (gnomAD no frequency). This sequence change replaces arginine, which is basic and polar, with serine, which is neutral and polar, at codon 236 of the WRN protein (p.Arg236Ser).